The following is an entry in ClinVar:

NM_000642.3(AGL):c.401_460+75delinsTATTACAT

Gene: AGL (amylo-alpha-1,6-glucosidase and 4-alpha-glucanotransferase; plus strand). Cytogenetic location: 1p21.2.
Variant type: Indel.
Coding change: c.401_460+75delinsTATTACAT on transcript NM_000642.3 (MANE Select); coding-DNA position 401 through 75 bases into the intron after coding-DNA position 460, the reference bases replaced by TATTACAT.
Molecular consequence: splice donor variant. On other transcripts: intron variant (1).
Genome position (GRCh38, 1-based): chr1:99,862,364-99,862,498, 135 bases replaced. GRCh37 (hg19): chr1:100,327,920-100,328,054.
Other names: c.401_460+75delinsTATTACAT (NM_000643.3, NM_001425325.1, NM_000028.3 and 5 more transcripts); c.353_412+75delinsTATTACAT (NM_000646.3); c.83-2022_83-1888delinsTATTACAT (NM_001425332.1).
Identifiers: ClinVar variation 2733177 (VCV002733177.3), dbSNP rs2524499047, ClinGen allele CA2697552540.

ClinVar aggregate classification (germline): Likely pathogenic (1 of 4 stars; one submission).

Conditions:
Glycogen storage disease type III (GSD3). Also called: Cori disease; FORBES DISEASE. Identifiers: Orphanet 366, MedGen C0017922, MONDO:0009291, OMIM 232400.

Submission:

Labcorp Genetics (formerly Invitae), Labcorp
Classification: Likely pathogenic for Glycogen storage disease type III. Last evaluated: 2023-06-29. Review status: criteria provided, single submitter. Criteria: Invitae Variant Classification Sherloc (09022015). Collection method: clinical testing. Allele origin: germline.
Comment: This variant is not present in population databases (gnomAD no frequency). This variant results in the deletion of part of exon 4 (c.401_460+75delinsTATTACAT) of the AGL gene. It is expected to disrupt RNA splicing. Variants that disrupt the donor or acceptor splice site typically lead to a loss of protein function (PMID: 16199547), and loss-of-function variants in AGL are known to be pathogenic (PMID: 19299494). This variant has not been reported in the literature in individuals affected with AGL-related conditions. This variant disrupts a region of the AGL protein in which other variant(s) (p.Gly138Glu) have been observed in individuals with AGL-related conditions (PMID: 26984562). This suggests that this is a clinically significant region of the protein, and that variants that disrupt it are likely to be disease-causing. In summary, the currently available evidence indicates that the variant is pathogenic, but additional data are needed to prove that conclusively. Therefore, this variant has been classified as Likely Pathogenic.

Literature cited by the submitters: PubMed 16199547; PubMed 19299494; PubMed 26984562.